The following is an entry in ClinVar:

NM_181486.4(TBX5):c.1348C>G (p.Leu450Val)

Gene: TBX5 (T-box transcription factor 5; minus strand). Cytogenetic location: 12q24.21.
Variant type: single nucleotide variant.
Coding change: c.1348C>G on transcript NM_181486.4 (MANE Select); coding-DNA position 1348, C replaced by G.
Protein change: p.Leu450Val; replaces leucine 450 with valine.
Molecular consequence: missense variant.
Genome position (GRCh38, 1-based): chr12:114,355,741, G>C on the plus strand (C>G on the coding strand, the complement: TBX5 is on the minus strand). VCF-style: chr12-114355741-G-C. GRCh37 (hg19) VCF-style: chr12-114793546-G-C.
Other names: c.1348C>G, p.Leu450Val (NM_000192.3); c.1198C>G, p.Leu400Val (NM_080717.4); short protein forms L450V, L400V.
Identifiers: ClinVar variation 1491365 (VCV001491365.9), dbSNP rs1243477560, ClinGen allele CA386925256.
Genomic context (GRCh38, chr12:114,355,741, plus strand): 5'-ACTGCCTGACCACAGGCTGGTGGGCCACGGAGGTCTGGTGCTGGAACATTCCCTCTCCCA[G>C]CTGTGGGGAGCCATGGTTGGCCATGCCAGCCAGCCGAGGGACCAGGGGCCCCGAGGTGAA-3'
Protein context (NP_852259.1, residues 440-460): AGMANHGSPQ[Leu450Val]GEGMFQHQTS

ClinVar aggregate classification (germline): Uncertain significance. Review status: criteria provided, multiple submitters, no conflicts (2 of 4 stars). 2 submissions from 2 submitters: Uncertain significance (2). Last evaluated 2023-02-16.

Conditions:
Cardiovascular phenotype. Identifiers: MedGen CN230736.
Aortic valve disease 2 (AOVD2). Identifiers: MedGen C3542024, MONDO:0013902, OMIM 614823.

Allele frequency attached by ClinVar (database versions not stated): gnomAD exomes below 0.00001 and 0.00001.
gnomAD v4.1: 7 of 1,614,142 alleles (0.00043%); highest among the groups gnomAD compares: Middle Eastern, 0.016%; no homozygotes.

Submissions (2):

Ambry Genetics
Classification: Uncertain significance for Cardiovascular phenotype. Last evaluated: 2023-02-16. Review status: criteria provided, single submitter. Criteria: Ambry Variant Classification Scheme 2023. Collection method: clinical testing. Allele origin: germline.
Comment: The p.L450V variant (also known as c.1348C>G), located in coding exon 8 of the TBX5 gene, results from a C to G substitution at nucleotide position 1348. The leucine at codon 450 is replaced by valine, an amino acid with highly similar properties. This amino acid position is conserved. In addition, this alteration is predicted to be tolerated by in silico analysis. Since supporting evidence is limited at this time, the clinical significance of this alteration remains unclear.

Labcorp Genetics (formerly Invitae), Labcorp
Classification: Uncertain significance for Aortic valve disease 2. Last evaluated: 2021-06-02. Review status: criteria provided, single submitter. Criteria: Invitae Variant Classification Sherloc (09022015). Collection method: clinical testing. Allele origin: germline.
Comment: This sequence change replaces leucine with valine at codon 450 of the TBX5 protein (p.Leu450Val). The leucine residue is moderately conserved and there is a small physicochemical difference between leucine and valine. This variant is not present in population databases (ExAC no frequency). This variant has not been reported in the literature in individuals with TBX5-related conditions. Advanced modeling of protein sequence and biophysical properties (such as structural, functional, and spatial information, amino acid conservation, physicochemical variation, residue mobility, and thermodynamic stability) performed at Invitae indicates that this missense variant is not expected to disrupt TBX5 protein function. Algorithms developed to predict the effect of sequence changes on RNA splicing suggest that this variant may create or strengthen a splice site, but this prediction has not been confirmed by published transcriptional studies. In summary, the available evidence is currently insufficient to determine the role of this variant in disease. Therefore, it has been classified as a Variant of Uncertain Significance.